The following is an entry in ClinVar:

ClinVar aggregate classification (germline): Uncertain significance. Review status: criteria provided, multiple submitters, no conflicts (2 of 4 stars). 3 submissions from 3 submitters: Uncertain significance (3). Last evaluated 2026-01-23.

Allele frequency attached by ClinVar (database versions not stated): ExAC 0.00002; gnomAD exomes 0.00004; ESP Exome Variant Server 0.00015.
gnomAD v4.1: 206 of 1,614,008 alleles (0.013%); highest among the groups gnomAD compares: Non-Finnish European, 0.017%; no homozygotes.

Submissions (3):

GeneDx
Classification: Uncertain significance. Last evaluated: 2026-01-23. Review status: criteria provided, single submitter. Criteria: GeneDx Variant Classification Process June 2021. Collection method: clinical testing. Allele origin: germline.
Comment: In silico analysis suggests that this missense variant does not alter protein structure/function; Has not been previously published as pathogenic or benign to our knowledge

Blueprint Genetics
Classification: Uncertain significance. Last evaluated: 2024-02-27. Review status: criteria provided, single submitter. Criteria: ACMG Guidelines, 2015. Collection method: clinical testing. Allele origin: germline.

Labcorp Genetics (formerly Invitae), Labcorp
Classification: Uncertain significance. Last evaluated: 2022-10-13. Review status: criteria provided, single submitter. Criteria: Invitae Variant Classification Sherloc (09022015). Collection method: clinical testing. Allele origin: germline.
Comment: This sequence change replaces alanine, which is neutral and non-polar, with threonine, which is neutral and polar, at codon 829 of the WHRN protein (p.Ala829Thr). This variant is present in population databases (rs139597771, gnomAD 0.008%). This missense change has been observed in individual(s) with Usher syndrome (PMID: 22135276). ClinVar contains an entry for this variant (Variation ID: 1364871). Algorithms developed to predict the effect of missense changes on protein structure and function (SIFT, PolyPhen-2, Align-GVGD) all suggest that this variant is likely to be disruptive. In summary, the available evidence is currently insufficient to determine the role of this variant in disease. Therefore, it has been classified as a Variant of Uncertain Significance.

Literature cited by the submitters: PubMed 22135276 (cited by Labcorp Genetics (formerly Invitae), Labcorp).

NM_015404.4(WHRN):c.2485G>A (p.Ala829Thr)

Gene: WHRN (whirlin; minus strand). Cytogenetic location: 9q32.
Variant type: single nucleotide variant.
Coding change: c.2485G>A on transcript NM_015404.4 (MANE Select); coding-DNA position 2485, G replaced by A.
Protein change: p.Ala829Thr; replaces alanine 829 with threonine.
Molecular consequence: missense variant.
Genome position (GRCh38, 1-based): chr9:114,403,273, C>T on the plus strand (G>A on the coding strand, the complement: WHRN is on the minus strand). VCF-style: chr9-114403273-C-T. GRCh37 (hg19) VCF-style: chr9-117165553-C-T.
Other names: c.1336G>A, p.Ala446Thr (NM_001083885.3); c.2482G>A, p.Ala828Thr (NM_001173425.2); c.1432G>A, p.Ala478Thr (NM_001346890.1); c.2485G>A (NM_015404.2); short protein forms A828T, A446T, A478T, A829T.
Identifiers: ClinVar variation 1364871 (VCV001364871.7), dbSNP rs139597771, ClinGen allele CA5205614.